The following is an entry in ClinVar:

NM_014009.4(FOXP3):c.816+5G>A

Gene: FOXP3 (forkhead box P3; minus strand). Cytogenetic location: Xp11.23.
Variant type: single nucleotide variant.
Coding change: c.816+5G>A on transcript NM_014009.4 (MANE Select); 5 bases into the intron after coding-DNA position 816, G replaced by A.
Molecular consequence: intron variant.
Genome position (GRCh38, 1-based): chrX:49,255,424, C>T on the plus strand (G>A on the coding strand, the complement: FOXP3 is on the minus strand). VCF-style: chrX-49255424-C-T. GRCh37 (hg19) VCF-style: chrX-49111885-C-T.
Other names: c.711+5G>A (NM_001114377.2).
Identifiers: ClinVar variation 4710759 (VCV004710759.1).
Genomic context (GRCh38, chrX:49,255,424, plus strand): 5'-GTGCAGACCTCCTCCCTGCCCCCCAGCAGTCTGAGTCTGCCACCACCAGTCCTGGGGTCG[C>T]TCACCACAGATGAAGCCTTGGTCAGTGCCATTTTCCCAGCCAGGTGGGCCTGCATGGCAC-3'

ClinVar aggregate classification (germline): Pathogenic (1 of 4 stars; one submission).

Conditions:
Insulin-dependent diabetes mellitus secretory diarrhea syndrome (IPEX). Also called: IMMUNODEFICIENCY, POLYENDOCRINOPATHY, AND ENTEROPATHY, X-LINKED; X-Linked Autoimmunity-Allergic Dysregulation Syndrome; Immune dysregulation-polyendocrinopathy-enteropathy-X-linked syndrome; IPEX and IPEX-Like; DIABETES MELLITUS, CONGENITAL INSULIN-DEPENDENT, WITH FATAL SECRETORY DIARRHEA; DIARRHEA, POLYENDOCRINOPATHY, FATAL INFECTION SYNDROME, X-LINKED. Identifiers: Orphanet 37042, MedGen C0342288, MONDO:0010580, OMIM 304790. Disease mechanism: loss of function.

Submission:

Labcorp Genetics (formerly Invitae), Labcorp
Classification: Pathogenic for Insulin-dependent diabetes mellitus secretory diarrhea syndrome. Last evaluated: 2025-10-28. Review status: criteria provided, single submitter. Criteria: Invitae Variant Classification Sherloc (09022015). Collection method: clinical testing. Allele origin: germline.
Comment: This sequence change falls in intron 8 of the FOXP3 gene. It does not directly change the encoded amino acid sequence of the FOXP3 protein. RNA analysis indicates that this variant induces altered splicing and likely results in a shortened protein product. This variant is not present in population databases (gnomAD no frequency). This variant has been observed in individuals with clinical features of X-linked recessive immunodysregulation, polyendocrinopathy, and enteropathy (IPEX) syndrome (PMID: 18951619, 24916357, 35624357). It has also been observed to segregate with disease in related individuals. This variant is also known as IVS7+5G>A. Variants that disrupt the consensus splice site are a relatively common cause of aberrant splicing (PMID: 17576681, 9536098). Studies have shown that this variant results in skipping of skipping of exon 8, but is expected to preserve the integrity of the reading-frame (PMID: 24916357). For these reasons, this variant has been classified as Pathogenic.

Literature cited by the submitters: PubMed 18951619; PubMed 24916357; PubMed 35624357; PubMed 17576681; PubMed 9536098.